The following is an entry in ClinVar:

NM_000443.4(ABCB4):c.2828T>C (p.Ile943Thr)

Gene: ABCB4 (ATP binding cassette subfamily B member 4; minus strand). Cytogenetic location: 7q21.12.
Variant type: single nucleotide variant.
Coding change: c.2828T>C on transcript NM_000443.4 (MANE Select); coding-DNA position 2828, T replaced by C.
Protein change: p.Ile943Thr; replaces isoleucine 943 with threonine.
Molecular consequence: missense variant. On other transcripts: intron variant (1).
Genome position (GRCh38, 1-based): chr7:87,411,989, A>G on the plus strand (T>C on the coding strand, the complement: ABCB4 is on the minus strand). VCF-style: chr7-87411989-A-G. GRCh37 (hg19) VCF-style: chr7-87041305-A-G.
Other names: c.2828T>C, p.Ile943Thr (NM_018849.3); c.2783+1628T>C (NM_018850.3); short protein forms I943T.
Identifiers: ClinVar variation 3358175 (VCV003358175.1).

ClinVar aggregate classification (germline): Uncertain significance (0 of 4 stars; one submission).

Conditions:
ABCB4-related disorder. Also called: ABCB4-related disorders; ABCB4-related condition.

gnomAD v4.1: 3 of 1,613,822 alleles (0.00019%); highest among the groups gnomAD compares: African/African-American, 0.004%; no homozygotes.

Submission:

PreventionGenetics, part of Exact Sciences
Classification: Uncertain significance for ABCB4-related condition. Last evaluated: 2024-03-10. Review status: no assertion criteria provided. Collection method: clinical testing. Allele origin: germline.
Comment: The ABCB4 c.2828T>C variant is predicted to result in the amino acid substitution p.Ile943Thr. To our knowledge, this variant has not been reported in the literature. This variant is reported in 0.0080% of alleles in individuals of African descent in gnomAD. At this time, the clinical significance of this variant is uncertain due to the absence of conclusive functional and genetic evidence.